The following is an entry in ClinVar:

ClinVar aggregate classification (germline): Uncertain significance (1 of 4 stars; one submission).

Conditions:
CEBPA-related disorder. Also called: CEBPA-related condition.

Submission:

PreventionGenetics, part of Exact Sciences
Classification: Uncertain significance for CEBPA-related condition. Last evaluated: 2022-08-24. Review status: criteria provided, single submitter. Criteria: ACMG Guidelines, 2015. Collection method: clinical testing. Allele origin: germline.
Comment: The CEBPA c.105delC variant is predicted to result in a frameshift and premature protein termination (p.Met36Trpfs*15). In the primary and HGMD transcript, this variant is called NM_004364.4:c.-1delC, which is located one base upstream of the start codon, and not predicted to impact splicing for this exon. To our knowledge, this variant has not been reported in the literature or in a large population database, indicating this variant is rare. At this time, the clinical significance of this variant is uncertain due to the absence of conclusive functional and genetic evidence.

NM_004364.5(CEBPA):c.-1del

Genes: CEBPA (CCAAT enhancer binding protein alpha; minus strand), LOC130064183 (ATAC-STARR-seq lymphoblastoid silent region 10495; plus strand). Cytogenetic location: 19q13.11.
Variant type: Deletion.
Coding change: c.-1del on transcript NM_004364.5 (MANE Select); 1 bases upstream of the start codon, one base deleted (C; older notation c.-1delC).
Molecular consequence: 5 prime UTR variant. On other transcripts: frameshift variant (1).
Genome position (GRCh38, 1-based): chr19:33,302,415, G deleted on the plus strand (C on the coding strand, the reverse complement: CEBPA is on the minus strand); the first of 5 consecutive G bases (chr19:33,302,415-33,302,419); deleting any one gives the same sequence. VCF-style (leftmost placement, unchanged base first): chr19-33302414-TG-T. GRCh37 (hg19) VCF-style: chr19-33793320-TG-T.
Other names: c.-358del (NM_001285829.2); c.105del, p.Met36fs (NM_001287424.2); c.-43del (NM_001287435.2); short protein forms M36fs.
Identifiers: ClinVar variation 2636322 (VCV002636322.1), dbSNP rs2513333812, ClinGen allele CA2584317523.